The following is an entry in ClinVar:

NM_002296.4(LBR):c.1826G>A (p.Arg609His)

Gene: LBR (lamin B receptor; minus strand). Cytogenetic location: 1q42.12.
Variant type: single nucleotide variant.
Coding change: c.1826G>A on transcript NM_002296.4 (MANE Select); coding-DNA position 1826, G replaced by A.
Protein change: p.Arg609His; replaces arginine 609 with histidine.
Molecular consequence: missense variant.
Genome position (GRCh38, 1-based): chr1:225,403,325, C>T on the plus strand (G>A on the coding strand, the complement: LBR is on the minus strand). VCF-style: chr1-225403325-C-T. GRCh37 (hg19) VCF-style: chr1-225591027-C-T.
Other names: c.1826G>A, p.Arg609His (NM_194442.3); short protein forms R609H.
Identifiers: ClinVar variation 1055309 (VCV001055309.11), dbSNP rs766329359, ClinGen allele CA1417021.

ClinVar aggregate classification (germline): Uncertain significance. Review status: criteria provided, multiple submitters, no conflicts (2 of 4 stars). 3 submissions from 3 submitters: Uncertain significance (3). Last evaluated 2025-09-29.

Allele frequency attached by ClinVar (database versions not stated): gnomAD 0.00004 and 0.00005; gnomAD exomes 0.00005 and 0.00006; ExAC 0.00003; TOPMed 0.00004.
gnomAD v4.1: 98 of 1,613,174 alleles (0.0061%); highest among the groups gnomAD compares: East Asian, 0.058%; no homozygotes.

Submissions (3):

Labcorp Genetics (formerly Invitae), Labcorp
Classification: Uncertain significance. Last evaluated: 2025-09-29. Review status: criteria provided, single submitter. Criteria: Invitae Variant Classification Sherloc (09022015). Collection method: clinical testing. Allele origin: germline.
Comment: This sequence change replaces arginine, which is basic and polar, with histidine, which is basic and polar, at codon 609 of the LBR protein (p.Arg609His). This variant is present in population databases (rs766329359, gnomAD 0.03%). This variant has not been reported in the literature in individuals affected with LBR-related conditions. ClinVar contains an entry for this variant (Variation ID: 1055309). Invitae Evidence Modeling of protein sequence and biophysical properties (such as structural, functional, and spatial information, amino acid conservation, physicochemical variation, residue mobility, and thermodynamic stability) indicates that this missense variant is expected to disrupt LBR protein function with a positive predictive value of 80%. In summary, the available evidence is currently insufficient to determine the role of this variant in disease. Therefore, it has been classified as a Variant of Uncertain Significance.

Blueprint Genetics
Classification: Uncertain significance. Last evaluated: 2024-06-18. Review status: criteria provided, single submitter. Criteria: ACMG Guidelines, 2015. Collection method: clinical testing. Allele origin: germline.

GeneDx
Classification: Uncertain significance. Last evaluated: 2021-05-27. Review status: criteria provided, single submitter. Criteria: GeneDx Variant Classification Process June 2021. Collection method: clinical testing. Allele origin: germline. Affected: yes.
Comment: Has not been previously published as pathogenic or benign to our knowledge